The following is an entry in ClinVar:

ClinVar aggregate classification (germline): Benign. Review status: criteria provided, multiple submitters, no conflicts (2 of 4 stars). 5 submissions from 4 submitters: Benign (5). Last evaluated 2024-07-15.

Conditions:
Developmental and epileptic encephalopathy, 28 (DEE28). Also called: Epileptic encephalopathy, early infantile, 28. Identifiers: Orphanet 442835, MedGen C4015519, MONDO:0014533, OMIM 616211.
Autosomal recessive spinocerebellar ataxia 12. Also called: SPINOCEREBELLAR ATAXIA WITH MENTAL RETARDATION AND EPILEPSY. Identifiers: Orphanet 284282, MedGen C3280452, MONDO:0013687, OMIM 614322.

Allele frequency attached by ClinVar (database versions not stated): 1000 Genomes Project 0.34724; 1000 Genomes Project 30x 0.35087; gnomAD exomes 0.47110; TOPMed 0.47206; ExAC 0.48107; gnomAD 0.48740 and 0.49671; ESP Exome Variant Server 0.53614.
gnomAD v4.1: 886,189 of 1,613,032 alleles (55%); highest among the groups gnomAD compares: Non-Finnish European, 60%; 253,623 homozygotes.

Submissions (5):

Unidad de Genómica Garrahan, Hospital de Pediatría Garrahan
Classification: Benign. Last evaluated: 2024-07-15. Review status: criteria provided, single submitter. Criteria: ACMG Guidelines, 2015. Collection method: clinical testing. Allele origin: germline. Affected: no. Observed: 52 variant alleles.
Comment: This variant is classified as Benign based on local population frequency. This variant was detected in 56% of patients studied in a panel designed for Epileptic and Developmental Encephalopathy and Progressive Myoclonus Epilepsy. Number of patients: 52. Only high quality variants are reported.

Genome-Nilou Lab
Classification: Benign for Developmental and epileptic encephalopathy, 28. Last evaluated: 2021-12-05. Review status: criteria provided, single submitter. Criteria: ACMG Guidelines, 2015. Collection method: clinical testing. Allele origin: germline. Affected: no.

Genome-Nilou Lab
Classification: Benign for Autosomal recessive spinocerebellar ataxia 12. Last evaluated: 2021-12-05. Review status: criteria provided, single submitter. Criteria: ACMG Guidelines, 2015. Collection method: clinical testing. Allele origin: germline. Affected: no.

GeneDx
Classification: Benign. Last evaluated: 2018-06-14. Review status: criteria provided, single submitter. Criteria: GeneDx Variant Classification (06012015). Collection method: clinical testing. Allele origin: germline. Affected: yes.
Comment: This variant is considered likely benign or benign based on one or more of the following criteria: it is a conservative change, it occurs at a poorly conserved position in the protein, it is predicted to be benign by multiple in silico algorithms, and/or has population frequency not consistent with disease.

Breakthrough Genomics
Classification: Benign. Review status: criteria provided, single submitter. Criteria: ACMG Guidelines, 2015. Collection method: not provided. Allele origin: germline. Inheritance: Autosomal recessive inheritance. Affected: yes.

NM_016373.4(WWOX):c.1057-40T>C

Genes: MAF (MAF bZIP transcription factor; minus strand), WWOX (WW domain containing oxidoreductase; plus strand). Cytogenetic location: 16q23.2.
Variant type: single nucleotide variant.
Coding change: c.1057-40T>C on transcript NM_016373.4 (MANE Select); 40 bases into the intron before coding-DNA position 1057, T replaced by C.
Molecular consequence: intron variant.
Genome position (GRCh38, 1-based): chr16:79,211,568, T>C. VCF-style: chr16-79211568-T-C. GRCh37 (hg19) VCF-style: chr16-79245465-T-C.
Other names: c.718-40T>C (NM_001291997.2).
Identifiers: ClinVar variation 670869 (VCV000670869.5), dbSNP rs384216, ClinGen allele CA8183688.